The following is an entry in ClinVar:

NM_170606.3(KMT2C):c.11694A>G (p.Pro3898=)

Gene: KMT2C (lysine methyltransferase 2C; minus strand). Cytogenetic location: 7q36.1.
Variant type: single nucleotide variant.
Coding change: c.11694A>G on transcript NM_170606.3 (MANE Select); coding-DNA position 11694, A replaced by G.
Protein change: p.Pro3898=; no amino-acid change (proline 3898 retained).
Molecular consequence: synonymous variant.
Genome position (GRCh38, 1-based): chr7:152,156,323, T>C on the plus strand (A>G on the coding strand, the complement: KMT2C is on the minus strand). VCF-style: chr7-152156323-T-C. GRCh37 (hg19) VCF-style: chr7-151853408-T-C.
Identifiers: ClinVar variation 3027110 (VCV003027110.22), dbSNP rs2487644477, ClinGen allele CA458885338.

ClinVar aggregate classification (germline): Uncertain significance (1 of 4 stars; one submission).

Submission:

CeGaT Center for Human Genetics Tuebingen
Classification: Uncertain significance. Last evaluated: 2024-02-01. Review status: criteria provided, single submitter. Criteria: CeGaT Center For Human Genetics Tuebingen Variant Classification Criteria Version 2. Collection method: clinical testing. Allele origin: germline. Affected: yes. Observed: 1 variant allele.
Comment: KMT2C: PM2, BP4